The following is an entry in ClinVar:

ClinVar aggregate classification (germline): Uncertain significance (1 of 4 stars; one submission).

Allele frequency attached by ClinVar (database versions not stated): gnomAD exomes 0.00001; gnomAD 0.00003; ExAC 0.00005.
gnomAD v4.1: 20 of 1,603,476 alleles (0.0012%); highest among the groups gnomAD compares: East Asian, 0.0045%; no homozygotes.

Submission:

Labcorp Genetics (formerly Invitae), Labcorp
Classification: Uncertain significance. Last evaluated: 2022-06-23. Review status: criteria provided, single submitter. Criteria: Invitae Variant Classification Sherloc (09022015). Collection method: clinical testing. Allele origin: germline.
Comment: In summary, the available evidence is currently insufficient to determine the role of this variant in disease. Therefore, it has been classified as a Variant of Uncertain Significance. Algorithms developed to predict the effect of missense changes on protein structure and function are either unavailable or do not agree on the potential impact of this missense change (SIFT: "Deleterious"; PolyPhen-2: "Probably Damaging"; Align-GVGD: "Class C0"). This variant has not been reported in the literature in individuals affected with DOCK6-related conditions. This variant is present in population databases (rs764151265, gnomAD 0.006%). This sequence change replaces arginine, which is basic and polar, with histidine, which is basic and polar, at codon 1041 of the DOCK6 protein (p.Arg1041His).

NM_020812.4(DOCK6):c.3122G>A (p.Arg1041His)

Gene: DOCK6 (dedicator of cytokinesis 6; minus strand). Cytogenetic location: 19p13.2.
Variant type: single nucleotide variant.
Coding change: c.3122G>A on transcript NM_020812.4 (MANE Select); coding-DNA position 3122, G replaced by A.
Protein change: p.Arg1041His; replaces arginine 1041 with histidine.
Molecular consequence: missense variant.
Genome position (GRCh38, 1-based): chr19:11,222,853, C>T on the plus strand (G>A on the coding strand, the complement: DOCK6 is on the minus strand). VCF-style: chr19-11222853-C-T. GRCh37 (hg19) VCF-style: chr19-11333529-C-T.
Other names: c.3227G>A, p.Arg1076His (NM_001367830.1); short protein forms R1076H, R1041H.
Identifiers: ClinVar variation 2156787 (VCV002156787.4), dbSNP rs764151265, ClinGen allele CA9207350.